The following is an entry in ClinVar:

ClinVar aggregate classification (germline): Uncertain significance (1 of 4 stars; one submission).

Conditions:
Neuronal ceroid lipofuscinosis. Also called: Neuronal Ceroid Lipofuscinoses. Identifiers: Orphanet 216, Orphanet 79263, MedGen C0027877, MONDO:0016295. Disease mechanism: loss of function.

gnomAD v4.1: 1 of 1,613,746 alleles (0.000062%); highest among the groups gnomAD compares: Admixed American, 0.0017%; no homozygotes.

Submission:

Labcorp Genetics (formerly Invitae), Labcorp
Classification: Uncertain significance for Neuronal ceroid lipofuscinosis. Last evaluated: 2024-05-06. Review status: criteria provided, single submitter. Criteria: Invitae Variant Classification Sherloc (09022015). Collection method: clinical testing. Allele origin: germline.
Comment: This sequence change replaces isoleucine, which is neutral and non-polar, with threonine, which is neutral and polar, at codon 206 of the CLN6 protein (p.Ile206Thr). This variant is not present in population databases (gnomAD no frequency). This variant has not been reported in the literature in individuals affected with CLN6-related conditions. ClinVar contains an entry for this variant (Variation ID: 1432734). Advanced modeling of protein sequence and biophysical properties (such as structural, functional, and spatial information, amino acid conservation, physicochemical variation, residue mobility, and thermodynamic stability) performed at Invitae indicates that this missense variant is not expected to disrupt CLN6 protein function with a negative predictive value of 80%. In summary, the available evidence is currently insufficient to determine the role of this variant in disease. Therefore, it has been classified as a Variant of Uncertain Significance.

NM_017882.3(CLN6):c.617T>C (p.Ile206Thr)

Gene: CLN6 (CLN6 transmembrane ER protein; minus strand). Cytogenetic location: 15q23.
Variant type: single nucleotide variant.
Coding change: c.617T>C on transcript NM_017882.3 (MANE Select); coding-DNA position 617, T replaced by C.
Protein change: p.Ile206Thr; replaces isoleucine 206 with threonine.
Molecular consequence: missense variant.
Genome position (GRCh38, 1-based): chr15:68,209,685, A>G on the plus strand (T>C on the coding strand, the complement: CLN6 is on the minus strand). VCF-style: chr15-68209685-A-G. GRCh37 (hg19) VCF-style: chr15-68502023-A-G.
Other names: short protein forms I206T.
Identifiers: ClinVar variation 1432734 (VCV001432734.5), dbSNP rs2141137247, ClinGen allele CA392972867.
Genomic context (GRCh38, chr15:68,209,685, plus strand): 5'-ATGTCCACTCACCAGTAGTACAGGCCACTGGGTGCCACCAGGAGCAGGGCAGGCCCTGGA[A>G]TCAAGCTCTCAGCTTTAGAGGCAGTAAAGCAGCCGCTGAAGTACATGAAGAGGATGAGGA-3'
Protein context (NP_060352.1, residues 196-216): CFTASKAESL[Ile206Thr]PGPALLLVAP